The following is an entry in ClinVar:

NM_001267550.2(TTN):c.39464-7T>C

Gene: TTN (titin; minus strand). Cytogenetic location: 2q31.2.
Variant type: single nucleotide variant.
Coding change: c.39464-7T>C on transcript NM_001267550.2 (MANE Select); 7 bases into the intron before coding-DNA position 39464, T replaced by C.
Molecular consequence: intron variant.
Genome position (GRCh38, 1-based): chr2:178,651,543, A>G on the plus strand (T>C on the coding strand, the complement: TTN is on the minus strand). VCF-style: chr2-178651543-A-G. GRCh37 (hg19) VCF-style: chr2-179516270-A-G.
Other names: c.13283-9226T>C (NM_003319.4); c.13859-9226T>C (NM_133437.4); c.13658-9226T>C (NM_133432.3); c.32162-7T>C (NM_133378.4); c.34943-7T>C (NM_001256850.1).
Identifiers: ClinVar variation 507713 (VCV000507713.10), dbSNP rs1218973879, ClinGen allele CA538436607.
Genomic context (GRCh38, chr2:178,651,543, plus strand): 5'-GAACCACCAGAGGCACCTTCTTTTCAGGAACAACCTCCTTGGGCACCTCGGGCACTATAA[A>G]AGATATTAGTAGTTGTTTAAGCTCATGGTTTCAATGAAATGTGAAAATCATGAAGCAGAA-3'

ClinVar aggregate classification (germline): Likely benign. Review status: criteria provided, multiple submitters, no conflicts (2 of 4 stars). 2 submissions from 2 submitters: Likely benign (2). Last evaluated 2024-02-20.

Conditions:
Dilated cardiomyopathy 1G (CMD1G). Identifiers: Orphanet 154, MedGen C1858763, MONDO:0011400, OMIM 604145.
Autosomal recessive limb-girdle muscular dystrophy type 2J (LGMDR10). Also called: Limb-girdle muscular dystrophy, type 2J; MUSCULAR DYSTROPHY, LIMB-GIRDLE, AUTOSOMAL RECESSIVE 10. Identifiers: Orphanet 140922, MedGen C1837342, MONDO:0012127, OMIM 608807.

Allele frequency attached by ClinVar (database versions not stated): gnomAD exomes below 0.00001.
gnomAD v4.1: 3 of 1,612,814 alleles (0.00019%); highest among the groups gnomAD compares: Middle Eastern, 0.017%; no homozygotes.

Submissions (2):

Labcorp Genetics (formerly Invitae), Labcorp
Classification: Likely benign for Dilated cardiomyopathy 1G; Autosomal recessive limb-girdle muscular dystrophy type 2J. Last evaluated: 2024-02-20. Review status: criteria provided, single submitter. Criteria: Invitae Variant Classification Sherloc (09022015). Collection method: clinical testing. Allele origin: germline.

GeneDx
Classification: Likely benign. Last evaluated: 2017-02-24. Review status: criteria provided, single submitter. Criteria: GeneDx Variant Classification (06012015). Collection method: clinical testing. Allele origin: germline. Affected: yes.
Comment: This variant is considered likely benign or benign based on one or more of the following criteria: it is a conservative change, it occurs at a poorly conserved position in the protein, it is predicted to be benign by multiple in silico algorithms, and/or has population frequency not consistent with disease.